The following is an entry in ClinVar:

ClinVar aggregate classification (germline): Uncertain significance (1 of 4 stars; one submission).

Conditions:
Hereditary cancer-predisposing syndrome. Also called: Neoplastic Syndromes, Hereditary; Tumor predisposition; Hereditary Cancer Syndrome; Hereditary neoplastic syndrome. Identifiers: Orphanet 140162, MedGen C0027672, MeSH D009386, MONDO:0015356.

Submission:

Ambry Genetics
Classification: Uncertain significance for Hereditary cancer-predisposing syndrome. Last evaluated: 2025-10-14. Review status: criteria provided, single submitter. Criteria: Ambry Variant Classification Scheme 2023. Collection method: clinical testing. Allele origin: germline.
Comment: The p.Y6F variant (also known as c.17A>T), located in coding exon 1 of the APC gene, results from an A to T substitution at nucleotide position 17. The tyrosine at codon 6 is replaced by phenylalanine, an amino acid with highly similar properties. This amino acid position is highly conserved in available vertebrate species. In addition, in silico predictors for this gene do not accurately predict pathogenicity. Missense variants in APC are not a common cause of disease (Spier I et al. Genet Med. 2024 Feb;26(2):100992). Based on the available evidence, the clinical significance of this variant remains unclear.

NM_000038.6(APC):c.17A>T (p.Tyr6Phe)

Gene: APC (APC regulator of Wnt signaling pathway; plus strand). Cytogenetic location: 5q22.2.
Variant type: single nucleotide variant.
Coding change: c.17A>T on transcript NM_000038.6 (MANE Select); coding-DNA position 17, A replaced by T.
Protein change: p.Tyr6Phe; replaces tyrosine 6 with phenylalanine.
Molecular consequence: missense variant. On other transcripts: 5 prime UTR variant (4), non-coding transcript variant (2), intron variant (11).
Genome position (GRCh38, 1-based): chr5:112,754,907, A>T. VCF-style: chr5-112754907-A-T. GRCh37 (hg19) VCF-style: chr5-112090604-A-T.
Other names: c.17A>T, p.Tyr6Phe (NM_001407448.1, NM_001407449.1, NM_001407450.1 and 16 more transcripts); c.-1019A>T (NM_001354906.2, NM_001407470.1, NM_001407471.1 and 1 more transcripts); c.166-11419A>T (NM_001407446.1, NM_001354897.2, NM_001354902.2 and 1 more transcripts); c.-42-11419A>T (NM_001407453.1, NM_001354900.2, NM_001354901.2 and 1 more transcripts); c.61-11419A>T (NM_001407451.1, NM_001354898.2, NM_001354904.2); short protein forms Y6F.
Identifiers: ClinVar variation 4579883 (VCV004579883.1).
Genomic context (GRCh38, chr5:112,754,907, plus strand): 5'-TTTCAAAATCCTTTTTAACCTTATAGGTCCAAGGGTAGCCAAGGATGGCTGCAGCTTCAT[A>T]TGATCAGTTGTTAAAGCAAGTTGAGGCACTGAAGATGGAGAACTCAAATCTTCGACAAGA-3'
Protein context (NP_000029.2, residues 1-16): MAAAS[Tyr6Phe]DQLLKQVEAL